The following is an entry in ClinVar:

ClinVar aggregate classification (germline): Conflicting classifications of pathogenicity. Review status: criteria provided, conflicting classifications (1 of 4 stars). 5 submissions from 5 submitters: Uncertain significance (3); Likely benign (1). 1 of the submissions does not count toward it. Last evaluated 2025-12-27.

Conditions:
Duchenne muscular dystrophy (DMD). Also called: MUSCULAR DYSTROPHY, PSEUDOHYPERTROPHIC PROGRESSIVE, DUCHENNE TYPE; Duchenne Muscular Dystrophy (DMD). Identifiers: Orphanet 98896, MedGen C0013264, MONDO:0010679, OMIM 310200.
Dystrophin deficiency.
Becker muscular dystrophy (BMD). Also called: MUSCULAR DYSTROPHY, PSEUDOHYPERTROPHIC PROGRESSIVE, BECKER TYPE; Becker Muscular Dystrophy (BMD). Identifiers: Orphanet 98895, MedGen C0917713, MONDO:0010311, OMIM 300376.
Cardiomyopathy (CMYO). Also called: Cardiomyopathies. Identifiers: Orphanet 167848, MedGen C0878544, MONDO:0004994, HP:0001638. Inheritance: Various modes of inheritance.
Cardiovascular phenotype. Identifiers: MedGen CN230736.

Allele frequency attached by ClinVar (database versions not stated): TOPMed 0.00001; gnomAD exomes 0.00002.
gnomAD v4.1: 16 of 1,208,583 alleles (0.0013%); highest among the groups gnomAD compares: South Asian, 0.007%; no homozygotes.

Submissions (5):

Labcorp Genetics (formerly Invitae), Labcorp
Classification: Likely benign for Duchenne muscular dystrophy. Last evaluated: 2025-12-27. Review status: criteria provided, single submitter. Criteria: Invitae Variant Classification Sherloc (09022015). Collection method: clinical testing. Allele origin: germline.

Ambry Genetics
Classification: Uncertain significance for Cardiovascular phenotype. Last evaluated: 2025-05-26. Review status: criteria provided, single submitter. Criteria: Ambry Variant Classification Scheme 2023. Collection method: clinical testing. Allele origin: germline.
Comment: The p.T1535M variant (also known as c.4604C>T), located in coding exon 33 of the DMD gene, results from a C to T substitution at nucleotide position 4604. The threonine at codon 1535 is replaced by methionine, an amino acid with similar properties. This variant was reported in individual(s) with features consistent with dilated cardiomyopathy (DCM) (Dal Ferro M et al. Heart, 2017 Nov;103:1704-1710). Based on data from gnomAD, the T allele has an overall frequency of 0.0016% (3/183799) total alleles studied, with 1 hemizygote(s) observed. The highest observed frequency was 0.0052% (1/19064) of South Asian alleles. This amino acid position is highly conserved in available vertebrate species. In addition, the in silico prediction for this alteration is inconclusive. Based on the available evidence, the clinical significance of this variant remains unclear.

Women's Health and Genetics/Laboratory Corporation of America, LabCorp
Classification: Uncertain significance. Last evaluated: 2023-01-11. Review status: criteria provided, single submitter. Criteria: LabCorp Variant Classification Summary - May 2015. Collection method: clinical testing. Allele origin: germline.
Comment: Variant summary: DMD c.4604C>T (p.Thr1535Met) results in a non-conservative amino acid change in the encoded protein sequence. Four of five in-silico tools predict a damaging effect of the variant on protein function. The variant allele was found at a frequency of 1.6e-05 in 182799 control chromosomes, including one hemizygote. The available data on variant occurrences in the general population are insufficient to allow any conclusion about variant significance. c.4604C>T has been reported in the literature in at-least one individual affected with dilated cardiomyopathy (example: Dal Ferro_2017). These report(s) do not provide unequivocal conclusions about association of the variant with Dystrophinopathies. To our knowledge, no experimental evidence demonstrating an impact on protein function has been reported. Three clinical diagnostic laboratories have submitted clinical-significance assessments for this variant to ClinVar after 2014 and all classified the variant as uncertain significance. Based on the evidence outlined above, the variant was classified as uncertain significance.

CeGaT Center for Human Genetics Tuebingen
Classification: Uncertain significance. Last evaluated: 2020-07-01. Review status: criteria provided, single submitter. Criteria: CeGaT Center For Human Genetics Tuebingen Variant Classification Criteria Version 2. Collection method: clinical testing. Allele origin: germline. Affected: yes. Observed: 2 variant alleles.

Natera, Inc.
Classification: Uncertain significance for Becker muscular dystrophy; Cardiomyopathy; Duchenne muscular dystrophy; Dystrophin deficiency. Last evaluated: 2018-10-29. Review status: no assertion criteria provided. Collection method: clinical testing. Allele origin: germline. Not counted in ClinVar's aggregate classification.

Literature cited by the submitters: PubMed 28416588 (cited by Ambry Genetics and Women's Health and Genetics/Laboratory Corporation of America, LabCorp).

NM_004006.3(DMD):c.4604C>T (p.Thr1535Met)

Gene: DMD (dystrophin; minus strand). Cytogenetic location: Xp21.1.
Variant type: single nucleotide variant.
Coding change: c.4604C>T on transcript NM_004006.3 (MANE Select); coding-DNA position 4604, C replaced by T.
Protein change: p.Thr1535Met; replaces threonine 1535 with methionine.
Molecular consequence: missense variant.
Genome position (GRCh38, 1-based): chrX:32,386,380, G>A on the plus strand (C>T on the coding strand, the complement: DMD is on the minus strand). VCF-style: chrX-32386380-G-A. GRCh37 (hg19) VCF-style: chrX-32404497-G-A.
Other names: c.4580C>T, p.Thr1527Met (NM_000109.4); c.4592C>T, p.Thr1531Met (NM_004009.3); c.4235C>T, p.Thr1412Met (NM_004010.3); c.581C>T, p.Thr194Met (NM_004011.4); c.572C>T, p.Thr191Met (NM_004012.4); short protein forms T1412M, T194M, T1527M, T1531M, T1535M, T191M.
Identifiers: ClinVar variation 845390 (VCV000845390.48), dbSNP rs1431604157, ClinGen allele CA412662618.